The following is an entry in ClinVar:

ClinVar aggregate classification (germline): Uncertain significance. Review status: criteria provided, multiple submitters, no conflicts (2 of 4 stars). 4 submissions from 4 submitters: Uncertain significance (4). Last evaluated 2026-04-23.

Conditions:
Costello syndrome (CSTLO). Also called: FACIOCUTANEOSKELETAL SYNDROME; FCS SYNDROME; HRAS-Related Costello Syndrome. Identifiers: Orphanet 3071, MedGen C0587248, MONDO:0009026, OMIM 218040.

Allele frequency attached by ClinVar (database versions not stated): TOPMed 0.00001.
gnomAD v4.1: 7 of 1,613,378 alleles (0.00043%); highest among the groups gnomAD compares: Admixed American, 0.0033%; no homozygotes.

Submissions (4):

Dasa
Classification: Uncertain significance for Costello syndrome. Last evaluated: 2026-04-23. Review status: criteria provided, single submitter. Criteria: DASA Assertion Criteria. Collection method: clinical testing. Allele origin: germline.
Comment: NM_005343.4(HRAS):c.427G>C (p.Glu143Gln) is a missense variant that results in the substitution of glutamic acid with glutamine. This variant is rare in population databases. Computational prediction algorithms are consistent with a deleterious effect. The currently available literature and clinical evidence are not sufficient to establish a definitive association between this variant and the reported condition. Therefore, this variant is classified as a variant of uncertain significance.

Labcorp Genetics (formerly Invitae), Labcorp
Classification: Uncertain significance for Costello syndrome. Last evaluated: 2025-01-13. Review status: criteria provided, single submitter. Criteria: Invitae Variant Classification Sherloc (09022015). Collection method: clinical testing. Allele origin: germline.
Comment: This sequence change replaces glutamic acid, which is acidic and polar, with glutamine, which is neutral and polar, at codon 143 of the HRAS protein (p.Glu143Gln). This variant is present in population databases (no rsID available, gnomAD 0.003%). This variant has not been reported in the literature in individuals affected with HRAS-related conditions. ClinVar contains an entry for this variant (Variation ID: 954226). Invitae Evidence Modeling of protein sequence and biophysical properties (such as structural, functional, and spatial information, amino acid conservation, physicochemical variation, residue mobility, and thermodynamic stability) has been performed for this missense variant. However, the output from this modeling did not meet the statistical confidence thresholds required to predict the impact of this variant on HRAS protein function. In summary, the available evidence is currently insufficient to determine the role of this variant in disease. Therefore, it has been classified as a Variant of Uncertain Significance.

GeneDx
Classification: Uncertain significance. Last evaluated: 2023-10-31. Review status: criteria provided, single submitter. Criteria: GeneDx Variant Classification Process June 2021. Collection method: clinical testing. Allele origin: germline. Affected: yes.
Comment: Missense variants in this gene are a common cause of disease and they are underrepresented in the general population; In silico analysis supports that this missense variant has a deleterious effect on protein structure/function; Has not been previously published as pathogenic or benign to our knowledge

Baylor Genetics
Classification: Uncertain significance for Costello syndrome. Last evaluated: 2019-03-26. Review status: criteria provided, single submitter. Criteria: ACMG Guidelines, 2015. Collection method: clinical testing. Allele origin: maternal. Affected: yes.
Comment: This variant was determined to be of uncertain significance according to ACMG Guidelines, 2015 [PMID:25741868].

NM_005343.4(HRAS):c.427G>C (p.Glu143Gln)

Genes: HRAS (HRas proto-oncogene, GTPase; minus strand), LRRC56 (leucine rich repeat containing 56; plus strand). Cytogenetic location: 11p15.5.
Variant type: single nucleotide variant.
Coding change: c.427G>C on transcript NM_005343.4 (MANE Select); coding-DNA position 427, G replaced by C.
Protein change: p.Glu143Gln; replaces glutamic acid 143 with glutamine.
Molecular consequence: missense variant. On other transcripts: synonymous variant (1).
Genome position (GRCh38, 1-based): chr11:533,476, C>G on the plus strand (G>C on the coding strand, the complement: HRAS is on the minus strand). VCF-style: chr11-533476-C-G. GRCh37 (hg19) VCF-style: chr11-533476-C-G.
Other names: c.427G>C, p.Glu143Gln (NM_001130442.3, NM_176795.5); c.108G>C, p.Ser36= (NM_001318054.2); short protein forms E143Q.
Identifiers: ClinVar variation 954226 (VCV000954226.14), dbSNP rs909222512, ClinGen allele CA378922854.